The following is an entry in ClinVar:

ClinVar aggregate classification (germline): Likely pathogenic (1 of 4 stars; one submission).

Conditions:
Achromatopsia 3 (ACHM3). Also called: PINGELAPESE BLINDNESS; TOTAL COLORBLINDNESS WITH MYOPIA; ROD MONOCHROMACY 1; ROD MONOCHROMATISM 1; ACHROMATOPSIA WITH MYOPIA. Identifiers: Orphanet 49382, MedGen C1849792, MONDO:0009875, OMIM 262300.

Submission:

Juno Genomics, Hangzhou Juno Genomics, Inc
Classification: Likely pathogenic for Achromatopsia 3. Review status: criteria provided, single submitter. Criteria: ACMG Guidelines, 2015. Collection method: clinical testing. Allele origin: germline.
Comment: Null variant in a gene where loss of function (LOF) is a known mechanism of disease.;Absent from controls (or at extremely low frequency if recessive) in Genome Aggregation Database.

NM_019098.5(CNGB3):c.1737del (p.Val580fs)

Gene: CNGB3 (cyclic nucleotide gated channel subunit beta 3; minus strand). Cytogenetic location: 8q21.3.
Variant type: Deletion.
Coding change: c.1737del on transcript NM_019098.5 (MANE Select); coding-DNA position 1737, one base deleted (A; older notation c.1737delA).
Protein change: p.Val580fs; shifts the reading frame from valine 580.
Molecular consequence: frameshift variant.
Genome position (GRCh38, 1-based): chr8:86,604,137, T deleted on the plus strand (A on the coding strand, the reverse complement: CNGB3 is on the minus strand); the first of 3 consecutive T bases (chr8:86,604,137-86,604,139); deleting any one gives the same sequence. VCF-style (leftmost placement, unchanged base first): chr8-86604136-CT-C. GRCh37 (hg19) VCF-style: chr8-87616364-CT-C.
Other names: short protein forms V580fs.
Identifiers: ClinVar variation 5007348 (VCV005007348.2).